The following is an entry in ClinVar:

NM_001267550.2(TTN):c.17717G>T (p.Cys5906Phe)

Gene: TTN (titin; minus strand). Cytogenetic location: 2q31.2.
Variant type: single nucleotide variant.
Coding change: c.17717G>T on transcript NM_001267550.2 (MANE Select); coding-DNA position 17717, G replaced by T.
Protein change: p.Cys5906Phe; replaces cysteine 5906 with phenylalanine.
Molecular consequence: missense variant. On other transcripts: intron variant (3).
Genome position (GRCh38, 1-based): chr2:178,730,948, C>A on the plus strand (G>T on the coding strand, the complement: TTN is on the minus strand). VCF-style: chr2-178730948-C-A. GRCh37 (hg19) VCF-style: chr2-179595675-C-A.
Other names: c.16766G>T, p.Cys5589Phe (NM_001256850.1); c.13985G>T, p.Cys4662Phe (NM_133378.4); c.13282+7134G>T (NM_003319.4); c.13858+7134G>T (NM_133437.4); c.13657+7134G>T (NM_133432.3); short protein forms C4662F, C5589F, C5906F.
Identifiers: ClinVar variation 987782 (VCV000987782.1), dbSNP rs1239818599, ClinGen allele CA349570295.

ClinVar aggregate classification (germline): Uncertain significance (1 of 4 stars; one submission).

Allele frequency attached by ClinVar (database versions not stated): gnomAD exomes 0.00001.
gnomAD v4.1: 4 of 1,608,172 alleles (0.00025%); highest among the groups gnomAD compares: South Asian, 0.0011%; no homozygotes.

Submission:

Women's Health and Genetics/Laboratory Corporation of America, LabCorp
Classification: Uncertain significance. Last evaluated: 2020-11-09. Review status: criteria provided, single submitter. Criteria: LabCorp Variant Classification Summary - May 2015. Collection method: clinical testing. Allele origin: germline.
Comment: Variant summary: TTN c.13985G>T (p.Cys4662Phe) results in a non-conservative amino acid change located in the I-band domain of the encoded protein sequence. Four of five in-silico tools predict a damaging effect of the variant on protein function. The variant allele was found at a frequency of 8.2e-06 in 245326 control chromosomes (gnomAD). The available data on variant occurrences in the general population are insufficient to allow any conclusion about variant significance. To our knowledge, no occurrence of c.13985G>T in individuals affected with Dilated Cardiomyopathy and no experimental evidence demonstrating its impact on protein function have been reported. No clinical diagnostic laboratories have submitted clinical-significance assessments for this variant to ClinVar after 2014. Based on the evidence outlined above, the variant was classified as uncertain significance.